The following is an entry in ClinVar:

ClinVar aggregate classification (germline): Likely benign. Review status: reviewed by expert panel (3 of 4 stars). 23 submissions from 22 submitters: Likely benign (1). 22 of the submissions do not count toward it. Last evaluated 2017-06-29.

Conditions:
BRCA2-related disorder. Also called: BRCA2-related condition; BRCA2-related disorders. Identifiers: MedGen CN239275.
Breast and/or ovarian cancer. Identifiers: MedGen CN221562.
BRCA2-related cancer predisposition. Identifiers: MedGen CN377758, MONDO:0700269.
Hereditary cancer-predisposing syndrome. Also called: Neoplastic Syndromes, Hereditary; Tumor predisposition; Hereditary Cancer Syndrome; Hereditary neoplastic syndrome. Identifiers: Orphanet 140162, MedGen C0027672, MeSH D009386, MONDO:0015356.
Hereditary breast ovarian cancer syndrome. Also called: Breast and ovarian cancer; BRCA1- and BRCA2-Associated Hereditary Breast and Ovarian Cancer; Hereditary breast and ovarian cancer syndrome; Hereditary breast and/or ovarian cancer syndrome; Hereditary breast and ovarian cancer syndrome (HBOC); Hereditary breast and ovarian cancer. Identifiers: Orphanet 145, MedGen C0677776, MeSH D061325, MONDO:0003582. Disease mechanism: loss of function.
Breast-ovarian cancer, familial, susceptibility to, 2 (BROVCA2). Also called: BRCA2 Hereditary Breast and Ovarian Cancer. Identifiers: Orphanet 145, MedGen C2675520, MONDO:0012933, OMIM 612555. Disease mechanism: loss of function.
Familial cancer of breast. Also called: Hereditary breast cancer; hereditary breast carcinoma; BREAST CANCER, FAMILIAL. Identifiers: Orphanet 227535, MedGen C0346153, MONDO:0016419, OMIM 114480. Disease mechanism: loss of function.

Allele frequency attached by ClinVar (database versions not stated): gnomAD 0.00001 and 0.00002; TOPMed 0.00001; gnomAD exomes 0.00005 and 0.00012; 1000 Genomes Project 30x 0.00016; 1000 Genomes Project 0.00020; ExAC 0.00012.
gnomAD v4.1: 75 of 1,613,728 alleles (0.0046%); highest among the groups gnomAD compares: South Asian, 0.044%; no homozygotes.

Submissions (23):

Evidence-based Network for the Interpretation of Germline Mutant Alleles (ENIGMA)
Classification: Likely benign for Breast-ovarian cancer, familial, susceptibility to, 2. Last evaluated: 2017-06-29. Review status: reviewed by expert panel. Criteria: ENIGMA BRCA1/2 Classification Criteria (2017-06-29). Collection method: curation. Allele origin: germline.
Comment: Synonymous substitution variant, with low bioinformatic likelihood to result in a splicing aberration (Splicing prior probability 0.02).

Labcorp Genetics (formerly Invitae), Labcorp
Classification: Likely benign for Hereditary breast ovarian cancer syndrome. Last evaluated: 2026-01-25. Review status: criteria provided, single submitter. Criteria: Invitae Variant Classification Sherloc (09022015). Collection method: clinical testing. Allele origin: germline. Not counted in ClinVar's aggregate classification.

Mayo Clinic Laboratories, Mayo Clinic
Classification: Benign. Last evaluated: 2025-10-06. Review status: criteria provided, single submitter. Criteria: ACMG Guidelines, 2015. Collection method: clinical testing. Allele origin: germline. Observed: 1 variant allele. Not counted in ClinVar's aggregate classification.
Comment: BS1, BP1_strong

Quest Diagnostics Nichols Institute San Juan Capistrano
Classification: Likely benign. Last evaluated: 2025-03-15. Review status: criteria provided, single submitter. Criteria: Quest Diagnostics criteria. Collection method: clinical testing. Allele origin: unknown. Not counted in ClinVar's aggregate classification.

Center for Genomic Medicine, Rigshospitalet, Copenhagen University Hospital
Classification: Likely benign. Last evaluated: 2025-03-04. Review status: criteria provided, single submitter. Criteria: ACMG Guidelines, 2015. Collection method: clinical testing. Allele origin: germline. Not counted in ClinVar's aggregate classification.

KCCC/NGS Laboratory, Kuwait Cancer Control Center
Classification: Benign for Familial cancer of breast. Last evaluated: 2025-02-01. Review status: criteria provided, single submitter. Criteria: ACMG Guidelines, 2015. Collection method: clinical testing. Allele origin: germline. Affected: no. Not counted in ClinVar's aggregate classification.

Blueprint Genetics
Classification: Likely benign. Last evaluated: 2023-11-22. Review status: criteria provided, single submitter. Criteria: ACMG Guidelines, 2015. Collection method: clinical testing. Allele origin: germline. Not counted in ClinVar's aggregate classification.

All of Us Research Program, National Institutes of Health
Classification: Benign for Breast-ovarian cancer, familial, susceptibility to, 2. Last evaluated: 2023-09-17. Review status: criteria provided, single submitter. Criteria: ACMG Guidelines, 2015. Collection method: clinical testing. Allele origin: germline. Inheritance: Autosomal dominant inheritance. Observed: 5 variant alleles, 5 heterozygotes. Not counted in ClinVar's aggregate classification.
Comment: This study involves interpretation of variants in research participants for the purpose of population health screening. Participant phenotype was not available at the time of variant classification. Additional details can be found in publication PMID: 35346344, PMCID: PMC8962531

KCCC/NGS Laboratory, Kuwait Cancer Control Center
Classification: Likely benign for Breast-ovarian cancer, familial, susceptibility to, 2. Last evaluated: 2023-07-07. Review status: criteria provided, single submitter. Criteria: ACMG Guidelines, 2015. Collection method: clinical testing. Allele origin: germline. Affected: yes. Not counted in ClinVar's aggregate classification.

Department of Pathology and Laboratory Medicine, Sinai Health System
Classification: Likely benign for BRCA2-related cancer predisposition. Last evaluated: 2022-11-14. Review status: criteria provided, single submitter. Criteria: ACMG Guidelines, 2015. Collection method: clinical testing. Allele origin: germline. Affected: no. Not counted in ClinVar's aggregate classification.

National Health Laboratory Service, Universitas Academic Hospital and University of the Free State
Classification: Likely benign for Hereditary breast ovarian cancer syndrome. Last evaluated: 2021-11-16. Review status: criteria provided, single submitter. Criteria: ACMG Guidelines, 2015. Collection method: clinical testing. Allele origin: germline. Affected: yes. Observed: 1 variant allele. Not counted in ClinVar's aggregate classification.

Sema4
Classification: Likely benign for Hereditary cancer-predisposing syndrome. Last evaluated: 2021-07-09. Review status: criteria provided, single submitter. Criteria: Sema4 Curation Guidelines. Collection method: curation. Allele origin: germline. Not counted in ClinVar's aggregate classification.

CHEO Genetics Diagnostic Laboratory, Children's Hospital of Eastern Ontario
Classification: Likely benign for Breast and/or ovarian cancer. Last evaluated: 2021-03-01. Review status: criteria provided, single submitter. Criteria: ACMG Guidelines, 2015. Collection method: clinical testing. Allele origin: germline. Not counted in ClinVar's aggregate classification.

ARUP Laboratories, Molecular Genetics and Genomics, ARUP Laboratories
Classification: Likely benign. Last evaluated: 2017-12-03. Review status: criteria provided, single submitter. Criteria: ARUP Molecular Germline Variant Investigation Process. Collection method: clinical testing. Allele origin: germline. Not counted in ClinVar's aggregate classification.
Comment: The BRCA2 c.5427C>T; p.Cys1809Cys variant is not published in the medical literature. The variant is listed in the ClinVar database (Variation ID: 51859), in the dbSNP variant database (rs80359791), and in the Genome Aggregation Database in 30/276920 alleles. This is a silent variant, the nucleotide at this position is not well conserved across species, and computational algorithms (SpliceSiteFinder-like, MaxEntScan, NNSplice, GeneSplicer, Human Splicing Finder) predict no significant change to splicing. Considering available information, this variant is classified as likely benign.

Clinical Genetics DNA and cytogenetics Diagnostics Lab, Erasmus MC, Erasmus Medical Center
Classification: Likely benign for Breast-ovarian cancer, familial, susceptibility to, 2. Last evaluated: 2017-06-28. Review status: criteria provided, single submitter. Criteria: ACGS Guidelines, 2013. Collection method: clinical testing. Allele origin: germline. Affected: yes. Study: VKGL Data-share Consensus. Not counted in ClinVar's aggregate classification.

Color Diagnostics, LLC DBA Color Health
Classification: Benign for Hereditary cancer-predisposing syndrome. Last evaluated: 2016-10-08. Review status: criteria provided, single submitter. Criteria: ACMG Guidelines, 2015. Collection method: clinical testing. Allele origin: germline. Not counted in ClinVar's aggregate classification.

GeneDx
Classification: Benign. Last evaluated: 2015-08-17. Review status: criteria provided, single submitter. Criteria: GeneDx Variant Classification (06012015). Collection method: clinical testing. Allele origin: germline. Affected: yes. Not counted in ClinVar's aggregate classification.
Comment: This variant is considered likely benign or benign based on one or more of the following criteria: it is a conservative change, it occurs at a poorly conserved position in the protein, it is predicted to be benign by multiple in silico algorithms, and/or has population frequency not consistent with disease.

Ambry Genetics
Classification: Likely benign for Hereditary cancer-predisposing syndrome. Last evaluated: 2014-11-19. Review status: criteria provided, single submitter. Criteria: Ambry Variant Classification Scheme 2023. Collection method: clinical testing. Allele origin: germline. Not counted in ClinVar's aggregate classification.

BRCAlab, Lund University
Classification: Likely benign for Breast-ovarian cancer, familial, susceptibility to, 2. Last evaluated: 2020-03-02. Review status: no assertion criteria provided. Collection method: clinical testing. Allele origin: germline. Affected: yes. Not counted in ClinVar's aggregate classification.

PreventionGenetics, part of Exact Sciences
Classification: Likely benign for BRCA2-related condition. Last evaluated: 2019-04-29. Review status: no assertion criteria provided. Collection method: clinical testing. Allele origin: germline. Not counted in ClinVar's aggregate classification.
Comment: This variant is classified as likely benign based on ACMG/AMP sequence variant interpretation guidelines (Richards et al. 2015 PMID: 25741868, with internal and published modifications).

Counsyl
Classification: Likely benign for Breast-ovarian cancer, familial, susceptibility to, 2. Last evaluated: 2018-03-27. Review status: no assertion criteria provided. Collection method: clinical testing. Allele origin: unknown. Not counted in ClinVar's aggregate classification.

Breast Cancer Information Core (BIC) (BRCA2)
Classification: Uncertain significance for Breast-ovarian cancer, familial 2. Last evaluated: 1998-11-30. Review status: no assertion criteria provided. Collection method: clinical testing. Allele origin: germline. Affected: yes. Observed: 1 variant allele. Not counted in ClinVar's aggregate classification.

Clinical Genetics Laboratory, Department of Pathology, Netherlands Cancer Institute
Classification: Likely benign. Review status: no assertion criteria provided. Collection method: clinical testing. Allele origin: germline. Affected: yes. Study: VKGL Data-share Consensus. Not counted in ClinVar's aggregate classification.

Literature cited by the submitters: DOI 10.3389/fgene.2022.834265 (cited by National Health Laboratory Service, Universitas Academic Hospital and University of the Free State).

NM_000059.4(BRCA2):c.5427C>T (p.Cys1809=)

Gene: BRCA2 (BRCA2 DNA repair associated; plus strand). Cytogenetic location: 13q13.1.
Variant type: single nucleotide variant.
Coding change: c.5427C>T on transcript NM_000059.4 (MANE Select); coding-DNA position 5427, C replaced by T.
Protein change: p.Cys1809=; no amino-acid change (cysteine 1809 retained).
Molecular consequence: synonymous variant.
Genome position (GRCh38, 1-based): chr13:32,339,782, C>T. VCF-style: chr13-32339782-C-T. GRCh37 (hg19) VCF-style: chr13-32913919-C-T.
Other names: 5655C/T; NP_000050.3:p.Cys1809=; p.Cys1809=.
Identifiers: ClinVar variation 51859 (VCV000051859.53), dbSNP rs80359791, ClinGen allele CA022306.